The following is an entry in ClinVar:

NM_001378454.1(ALMS1):c.734A>G (p.His245Arg)

Gene: ALMS1 (ALMS1 centrosome and basal body associated protein; plus strand). Cytogenetic location: 2p13.1.
Variant type: single nucleotide variant.
Coding change: c.734A>G on transcript NM_001378454.1 (MANE Select); coding-DNA position 734, A replaced by G.
Protein change: p.His245Arg; replaces histidine 245 with arginine.
Molecular consequence: missense variant.
Genome position (GRCh38, 1-based): chr2:73,422,944, A>G. VCF-style: chr2-73422944-A-G. GRCh37 (hg19) VCF-style: chr2-73650072-A-G.
Other names: c.737A>G, p.His246Arg (NM_015120.4); short protein forms H245R, H246R.
Identifiers: ClinVar variation 1758597 (VCV001758597.2), dbSNP rs2466043661, ClinGen allele CA347260223.

ClinVar aggregate classification (germline): Uncertain significance (1 of 4 stars; one submission).

Conditions:
Cardiovascular phenotype. Identifiers: MedGen CN230736.

Submission:

Ambry Genetics
Classification: Uncertain significance for Cardiovascular phenotype. Last evaluated: 2022-08-11. Review status: criteria provided, single submitter. Criteria: Ambry Variant Classification Scheme 2023. Collection method: clinical testing. Allele origin: germline.
Comment: The p.H246R variant (also known as c.737A>G), located in coding exon 4 of the ALMS1 gene, results from an A to G substitution at nucleotide position 737. The histidine at codon 246 is replaced by arginine, an amino acid with highly similar properties. This amino acid position is not well conserved in available vertebrate species. In addition, the in silico prediction for this alteration is inconclusive. Since supporting evidence is limited at this time, the clinical significance of this alteration remains unclear.